The following is an entry in ClinVar:

NM_001079802.2(FKTN):c.1159G>A (p.Gly387Arg)

Gene: FKTN (fukutin; plus strand). Cytogenetic location: 9q31.2.
Variant type: single nucleotide variant.
Coding change: c.1159G>A on transcript NM_001079802.2 (MANE Select); coding-DNA position 1159, G replaced by A.
Protein change: p.Gly387Arg; replaces glycine 387 with arginine.
Molecular consequence: missense variant. On other transcripts: non-coding transcript variant (2).
Genome position (GRCh38, 1-based): chr9:105,620,048, G>A. VCF-style: chr9-105620048-G-A. GRCh37 (hg19) VCF-style: chr9-108382329-G-A.
Other names: c.1159G>A, p.Gly387Arg (NM_001198963.2, NM_001351496.2, NM_001351498.2 and 1 more transcripts); c.1090G>A, p.Gly364Arg (NM_001351497.2); c.763G>A, p.Gly255Arg (NM_001351499.2, NM_001351500.2, NM_001351501.2 and 1 more transcripts); short protein forms G387R, G364R, G255R.
Identifiers: ClinVar variation 167070 (VCV000167070.51), dbSNP rs148975262, ClinGen allele CA234000.

ClinVar aggregate classification (germline): Uncertain significance. Review status: criteria provided, multiple submitters, no conflicts (2 of 4 stars). 16 submissions from 15 submitters: Uncertain significance (14). 2 of the submissions do not count toward it. Last evaluated 2025-10-26.

Conditions:
Walker-Warburg congenital muscular dystrophy. Also called: Muscular dystrophy-dystroglycanopathy, type A; Walker-Warburg syndrome. Identifiers: Orphanet 899, MedGen C0265221, MONDO:0000171.
FKTN-related disorder. Also called: FKTN-related condition; FKTN-related disorders.
Cardiovascular phenotype. Identifiers: MedGen CN230736.
Autosomal recessive limb-girdle muscular dystrophy type 2M. Also called: MUSCULAR DYSTROPHY-DYSTROGLYCANOPATHY (LIMB-GIRDLE), TYPE C, 4; MUSCULAR DYSTROPHY, LIMB-GIRDLE, TYPE 2M. Identifiers: Orphanet 206554, MedGen C1969040, MONDO:0012699, OMIM 611588.
Dilated cardiomyopathy 1X (CMD1X). Also called: FKTN-Related Dilated Cardiomyopathy; CARDIOMYOPATHY, DILATED, WITH MILD OR NO PROXIMAL MUSCLE WEAKNESS. Identifiers: Orphanet 154, MedGen C1969024, MONDO:0012704, OMIM 611615.
Muscular dystrophy-dystroglycanopathy (congenital with brain and eye anomalies), type A, 4 (MDDGA4). Also called: Walker-Warburg Syndrome, Fktn-Related; Fukuyama congenital muscular dystrophy; WALKER-WARBURG SYNDROME OR MUSCLE-EYE-BRAIN DISEASE, FKTN-RELATED; Muscular dystrophy, congenital progressive, with mental retardation; Muscular dystrophy, congenital, with central nervous system involvement; Cerebromuscular dystrophy, Fukuyama type. Identifiers: Orphanet 272, Orphanet 588, Orphanet 899, MedGen C0410174, MONDO:0009678, OMIM 253800.
Muscular dystrophy-dystroglycanopathy (congenital without impaired intellectual development), type B, 4. Also called: Muscular dystrophy-dystroglycanopathy (congenital without intellectual disability), type B4; MUSCULAR DYSTROPHY, CONGENITAL, FKTN-RELATED. Identifiers: MedGen C2751052, MONDO:0013156, OMIM 613152.

Allele frequency attached by ClinVar (database versions not stated): 1000 Genomes Project 0.00040; gnomAD exomes 0.00043 and 0.00076; ESP Exome Variant Server 0.00046; ExAC 0.00046; gnomAD 0.00051 and 0.00048; 1000 Genomes Project 30x 0.00078; TOPMed 0.00043.
gnomAD v4.1: 1,170 of 1,611,124 alleles (0.073%); highest among the groups gnomAD compares: Non-Finnish European, 0.093%; no homozygotes.

Submissions (16):

Mayo Clinic Laboratories, Mayo Clinic
Classification: Uncertain significance. Last evaluated: 2025-10-26. Review status: criteria provided, single submitter. Criteria: ACMG Guidelines, 2015. Collection method: clinical testing. Allele origin: germline. Observed: 2 variant alleles.
Comment: PP3

Athena Diagnostics
Classification: Uncertain significance. Last evaluated: 2025-08-29. Review status: criteria provided, single submitter. Criteria: Athena Diagnostics Criteria. Collection method: clinical testing. Allele origin: unknown.
Comment: Available data are insufficient to determine the clinical significance of the variant at this time. The frequency of this variant in the general population is higher than would generally be expected for pathogenic variants in this gene. Polyphen and MutationTaster yielded discordant predictions regarding whether this amino acid change is damaging to the protein.

GeneDx
Classification: Uncertain significance. Last evaluated: 2025-06-10. Review status: criteria provided, single submitter. Criteria: GeneDx Variant Classification Process June 2021. Collection method: clinical testing. Allele origin: germline. Affected: yes.
Comment: In silico analysis supports that this missense variant has a deleterious effect on protein structure/function; Observed in an individual with idiopathic ventricular fibrillation (PMID: 37227348); This variant is associated with the following publications: (PMID: 30564623, 37227348)

Molecular Diagnostic Laboratory for Inherited Cardiovascular Disease, Montreal Heart Institute
Classification: Uncertain significance for Cardiovascular phenotype. Last evaluated: 2025-04-09. Review status: criteria provided, single submitter. Criteria: ACMG Guidelines, 2015. Collection method: clinical testing. Allele origin: germline. Affected: yes.
Comment: the same text as in the submission from Mayo Clinic Laboratories, Mayo Clinic above.

Ambry Genetics
Classification: Uncertain significance for Cardiovascular phenotype. Last evaluated: 2024-12-27. Review status: criteria provided, single submitter. Criteria: Ambry Variant Classification Scheme 2023. Collection method: clinical testing. Allele origin: germline.
Comment: The p.G387R variant (also known as c.1159G>A), located in coding exon 8 of the FKTN gene, results from a G to A substitution at nucleotide position 1159. The glycine at codon 387 is replaced by arginine, an amino acid with dissimilar properties. This variant has been reported in a pediatric cardiomyopathy cohort and a ventricular fibrillation cohort (Ware SM et al. Am J Hum Genet, 2022 Feb;109:282-298; Pannone L et al. JACC Clin Electrophysiol, 2023 Aug;9:1296-1306). This amino acid position is highly conserved in available vertebrate species. In addition, this alteration is predicted to be deleterious by in silico analysis. Based on the available evidence, the clinical significance of this variant remains unclear.

Blueprint Genetics
Classification: Uncertain significance. Last evaluated: 2024-09-20. Review status: criteria provided, single submitter. Criteria: ACMG Guidelines, 2015. Collection method: clinical testing. Allele origin: germline.

ARUP Laboratories, Molecular Genetics and Genomics, ARUP Laboratories
Classification: Uncertain significance. Last evaluated: 2024-07-22. Review status: criteria provided, single submitter. Criteria: ARUP Molecular Germline Variant Investigation Process 2024. Collection method: clinical testing. Allele origin: germline.
Comment: The FKTN c.1159G>A; p.Gly387Arg variant (rs148975262, ClinVar Variation ID: 167070), is reported in the literature in an individuals affected with idiopathic ventricular fibrillation, thought no additional evidence of causality was provided (Pannone 2023). This variant is found in the non-Finnish European population with an allele frequency of 0.08% (106/128,630 alleles) in the Genome Aggregation Database (v2.1.1). Computational analyses are uncertain whether this variant is neutral or deleterious (REVEL: 0.684). Due to limited information, the clinical significance of this variant is uncertain at this time. References: Pannone L et al. Genetics in Probands With Idiopathic Ventricular Fibrillation: A Multicenter Study. JACC Clin Electrophysiol. 2023 Aug;9(8 Pt 1):1296-1306. PMID: 37227348.

Fulgent Genetics
Classification: Uncertain significance for Muscular dystrophy-dystroglycanopathy (congenital with brain and eye anomalies), type A, 4; Autosomal recessive limb-girdle muscular dystrophy type 2M; Dilated cardiomyopathy 1X; Muscular dystrophy-dystroglycanopathy (congenital without impaired intellectual development), type B, 4. Last evaluated: 2024-02-06. Review status: criteria provided, single submitter. Criteria: ACMG Guidelines, 2015. Collection method: clinical testing. Allele origin: germline.

Revvity Omics, Revvity
Classification: Uncertain significance. Last evaluated: 2023-05-19. Review status: criteria provided, single submitter. Criteria: ACMG Guidelines, 2015. Collection method: clinical testing. Allele origin: germline.

Women's Health and Genetics/Laboratory Corporation of America, LabCorp
Classification: Uncertain significance. Last evaluated: 2022-12-19. Review status: criteria provided, single submitter. Criteria: LabCorp Variant Classification Summary - May 2015. Collection method: clinical testing. Allele origin: germline.
Comment: Variant summary: FKTN c.1159G>A (p.Gly387Arg) results in a non-conservative amino acid change in the encoded protein sequence. Three of five in-silico tools predict a damaging effect of the variant on protein function. The variant allele was found at a frequency of 0.00043 in 250638 control chromosomes. This frequency is not significantly higher than expected for a pathogenic variant in FKTN causing Cardiomyopathy (0.00043 vs 0.005), allowing no conclusion about variant significance. To our knowledge, no occurrence of c.1159G>A in individuals affected with Cardiomyopathy and no experimental evidence demonstrating its impact on protein function have been reported. Co-occurrences with other pathogenic variant(s) have been reported (Internal data, MYBPC3, c.3627+1G>A), providing supporting evidence for a benign role. Eight clinical diagnostic laboratories have submitted clinical-significance assessments for this variant to ClinVar after 2014 without evidence for independent evaluation. All laboratories classified the variant as uncertain significance. Based on the evidence outlined above, the variant was classified as uncertain significance.

Labcorp Genetics (formerly Invitae), Labcorp
Classification: Uncertain significance for Walker-Warburg congenital muscular dystrophy. Last evaluated: 2022-10-17. Review status: criteria provided, single submitter. Criteria: Invitae Variant Classification Sherloc (09022015). Collection method: clinical testing. Allele origin: germline.
Comment: This sequence change replaces glycine, which is neutral and non-polar, with arginine, which is basic and polar, at codon 387 of the FKTN protein (p.Gly387Arg). This variant is present in population databases (rs148975262, gnomAD 0.08%), and has an allele count higher than expected for a pathogenic variant. This variant has not been reported in the literature in individuals affected with FKTN-related conditions. ClinVar contains an entry for this variant (Variation ID: 167070). Algorithms developed to predict the effect of missense changes on protein structure and function (SIFT, PolyPhen-2, Align-GVGD) all suggest that this variant is likely to be disruptive. In summary, the available evidence is currently insufficient to determine the role of this variant in disease. Therefore, it has been classified as a Variant of Uncertain Significance.

Illumina Laboratory Services, Illumina
Classification: Uncertain significance for Dilated cardiomyopathy 1X. Last evaluated: 2018-01-12. Review status: criteria provided, single submitter. Criteria: ICSL Variant Classification Criteria 13 December 2019. Collection method: clinical testing. Allele origin: germline.

Illumina Laboratory Services, Illumina
Classification: Uncertain significance for Muscular dystrophy-dystroglycanopathy (congenital with brain and eye anomalies), type A, 4. Last evaluated: 2018-01-12. Review status: criteria provided, single submitter. Criteria: ICSL Variant Classification Criteria 13 December 2019. Collection method: clinical testing. Allele origin: germline.

Eurofins Ntd Llc (ga)
Classification: Uncertain significance. Last evaluated: 2017-11-10. Review status: criteria provided, single submitter. Criteria: EGL Classification Definitions 2015. Collection method: clinical testing. Allele origin: germline. Observed: 9 variant alleles, 9 heterozygotes.

PreventionGenetics, part of Exact Sciences
Classification: Uncertain significance for FKTN-related condition. Last evaluated: 2023-11-21. Review status: no assertion criteria provided. Collection method: clinical testing. Allele origin: germline. Not counted in ClinVar's aggregate classification.
Comment: The FKTN c.1159G>A variant is predicted to result in the amino acid substitution p.Gly387Arg. To our knowledge, this variant has not been reported in the literature. This variant is reported in 0.082% of alleles in individuals of European (Non-Finnish) descent in gnomAD. Although we suspect that this variant may be benign, at this time, the clinical significance of this variant is uncertain due to the absence of conclusive functional and genetic evidence.

Natera, Inc.
Classification: Uncertain significance for Walker-Warburg congenital muscular dystrophy. Last evaluated: 2020-04-03. Review status: no assertion criteria provided. Collection method: clinical testing. Allele origin: germline. Not counted in ClinVar's aggregate classification.

Literature cited by the submitters: PubMed 35026164 (cited by 3 submitters); PubMed 37227348 (cited by Mayo Clinic Laboratories, Mayo Clinic and Ambry Genetics); PubMed 29590070 (cited by Athena Diagnostics); PubMed 26350204 (cited by Athena Diagnostics and Ambry Genetics); PubMed 9 (cited by Ambry Genetics).